The following is an entry in ClinVar:

NM_001849.4(COL6A2):c.2258C>T (p.Thr753Ile)

Gene: COL6A2 (collagen type VI alpha 2 chain; plus strand). Cytogenetic location: 21q22.3.
Variant type: single nucleotide variant.
Coding change: c.2258C>T on transcript NM_001849.4 (MANE Select); coding-DNA position 2258, C replaced by T.
Protein change: p.Thr753Ile; replaces threonine 753 with isoleucine.
Molecular consequence: missense variant.
Genome position (GRCh38, 1-based): chr21:46,126,073, C>T. VCF-style: chr21-46126073-C-T. GRCh37 (hg19) VCF-style: chr21-47545987-C-T.
Other names: c.2258C>T, p.Thr753Ile (NM_058174.3, NM_058175.3); short protein forms T753I.
Identifiers: ClinVar variation 283445 (VCV000283445.9), dbSNP rs886042625, ClinGen allele CA10604492.

ClinVar aggregate classification (germline): Uncertain significance. Review status: criteria provided, multiple submitters, no conflicts (2 of 4 stars). 2 submissions from 2 submitters: Uncertain significance (2). Last evaluated 2022-09-24.

Conditions:
Bethlem myopathy 1A. Also called: Bethlem myopathy 1; MYOPATHY, BENIGN CONGENITAL, WITH CONTRACTURES; Bethlem Muscular Dystrophy. Identifiers: Orphanet 610, MedGen CN029274, MONDO:0024530, OMIM 158810.

Allele frequency attached by ClinVar (database versions not stated): gnomAD exomes below 0.00001.

Submissions (2):

Labcorp Genetics (formerly Invitae), Labcorp
Classification: Uncertain significance for Bethlem myopathy 1A. Last evaluated: 2022-09-24. Review status: criteria provided, single submitter. Criteria: Invitae Variant Classification Sherloc (09022015). Collection method: clinical testing. Allele origin: germline.
Comment: This variant is present in population databases (no rsID available, gnomAD 0.0009%). This sequence change replaces threonine, which is neutral and polar, with isoleucine, which is neutral and non-polar, at codon 753 of the COL6A2 protein (p.Thr753Ile). This variant has not been reported in the literature in individuals affected with COL6A2-related conditions. ClinVar contains an entry for this variant (Variation ID: 283445). Advanced modeling of protein sequence and biophysical properties (such as structural, functional, and spatial information, amino acid conservation, physicochemical variation, residue mobility, and thermodynamic stability) performed at Invitae indicates that this missense variant is not expected to disrupt COL6A2 protein function. In summary, the available evidence is currently insufficient to determine the role of this variant in disease. Therefore, it has been classified as a Variant of Uncertain Significance.

Eurofins Ntd Llc (ga)
Classification: Uncertain significance. Last evaluated: 2015-09-22. Review status: criteria provided, single submitter. Criteria: EGL Classification Definitions 2015. Collection method: clinical testing. Allele origin: germline. Observed: 1 variant allele, 1 heterozygote.